The following is an entry in ClinVar:

NM_002180.3(IGHMBP2):c.1106T>A (p.Phe369Tyr)

Gene: IGHMBP2 (immunoglobulin mu DNA binding protein 2; plus strand). Cytogenetic location: 11q13.3.
Variant type: single nucleotide variant.
Coding change: c.1106T>A on transcript NM_002180.3 (MANE Select); coding-DNA position 1106, T replaced by A.
Protein change: p.Phe369Tyr; replaces phenylalanine 369 with tyrosine.
Molecular consequence: missense variant.
Genome position (GRCh38, 1-based): chr11:68,929,228, T>A. VCF-style: chr11-68929228-T-A. GRCh37 (hg19) VCF-style: chr11-68696696-T-A.
Other names: short protein forms F369Y.
Identifiers: ClinVar variation 500874 (VCV000500874.16), dbSNP rs756791529, ClinGen allele CA6153521.

ClinVar aggregate classification (germline): Uncertain significance. Review status: criteria provided, multiple submitters, no conflicts (2 of 4 stars). 5 submissions from 5 submitters: Uncertain significance (5). Last evaluated 2025-11-04.

Conditions:
Inborn genetic diseases. Identifiers: MedGen C0950123, MeSH D030342.
Autosomal recessive distal spinal muscular atrophy 1. Also called: SEVERE INFANTILE AXONAL NEUROPATHY WITH RESPIRATORY FAILURE; SPINAL MUSCULAR ATROPHY, DIAPHRAGMATIC; Spinal muscular atrophy with respiratory distress 1; NEURONOPATHY, DISTAL HEREDITARY MOTOR, HARDING TYPE VI; NEUROPATHY, DISTAL HEREDITARY MOTOR, AUTOSOMAL RECESSIVE 1; HMN VI. Identifiers: Orphanet 98920, MedGen C1858517, MONDO:0011436, OMIM 604320.
Charcot-Marie-Tooth disease axonal type 2S. Also called: CHARCOT-MARIE-TOOTH DISEASE, AXONAL, AUTOSOMAL RECESSIVE, TYPE 2S; CHARCOT-MARIE-TOOTH NEUROPATHY, TYPE 2S. Identifiers: Orphanet 443073, MedGen C4015349, MONDO:0014511, OMIM 616155.

Allele frequency attached by ClinVar (database versions not stated): ExAC 0.00001; gnomAD 0.00001; TOPMed 0.00002; gnomAD exomes 0.00004.
gnomAD v4.1: 15 of 1,613,718 alleles (0.00093%); highest among the groups gnomAD compares: Admixed American, 0.025%; no homozygotes.

Submissions (5):

GeneDx
Classification: Uncertain significance. Last evaluated: 2025-11-04. Review status: criteria provided, single submitter. Criteria: GeneDx Variant Classification Process June 2021. Collection method: clinical testing. Allele origin: germline. Affected: yes.
Comment: In silico analysis supports that this missense variant has a deleterious effect on protein structure/function; Has not been previously published as pathogenic or benign to our knowledge; This variant is associated with the following publications: (PMID: 22965130, 24388491, 25439726)

Ambry Genetics
Classification: Uncertain significance for Inborn genetic diseases. Last evaluated: 2024-10-21. Review status: criteria provided, single submitter. Criteria: Ambry Variant Classification Scheme 2023. Collection method: clinical testing. Allele origin: germline.

Labcorp Genetics (formerly Invitae), Labcorp
Classification: Uncertain significance for Autosomal recessive distal spinal muscular atrophy 1; Charcot-Marie-Tooth disease axonal type 2S. Last evaluated: 2022-02-04. Review status: criteria provided, single submitter. Criteria: Invitae Variant Classification Sherloc (09022015). Collection method: clinical testing. Allele origin: germline.
Comment: This sequence change replaces phenylalanine, which is neutral and non-polar, with tyrosine, which is neutral and polar, at codon 369 of the IGHMBP2 protein (p.Phe369Tyr). This variant is present in population databases (rs756791529, gnomAD 0.03%). This variant has not been reported in the literature in individuals affected with IGHMBP2-related conditions. ClinVar contains an entry for this variant (Variation ID: 500874). Advanced modeling of protein sequence and biophysical properties (such as structural, functional, and spatial information, amino acid conservation, physicochemical variation, residue mobility, and thermodynamic stability) performed at Invitae indicates that this missense variant is expected to disrupt IGHMBP2 protein function. In summary, the available evidence is currently insufficient to determine the role of this variant in disease. Therefore, it has been classified as a Variant of Uncertain Significance.

Fulgent Genetics
Classification: Uncertain significance for Autosomal recessive distal spinal muscular atrophy 1; Charcot-Marie-Tooth disease axonal type 2S. Last evaluated: 2018-10-31. Review status: criteria provided, single submitter. Criteria: ACMG Guidelines, 2015. Collection method: clinical testing. Allele origin: unknown.

Eurofins Ntd Llc (ga)
Classification: Uncertain significance. Last evaluated: 2017-04-14. Review status: criteria provided, single submitter. Criteria: EGL Classification Definitions 2015. Collection method: clinical testing. Allele origin: germline. Observed: 1 variant allele, 1 heterozygote.